The following is an entry in ClinVar:

ClinVar aggregate classification (germline): Uncertain significance (1 of 4 stars; one submission).

Submission:

GeneDx
Classification: Uncertain significance. Last evaluated: 2022-09-12. Review status: criteria provided, single submitter. Criteria: GeneDx Variant Classification Process June 2021. Collection method: clinical testing. Allele origin: germline. Affected: yes.
Comment: Not observed at significant frequency in large population cohorts (gnomAD); In silico analysis supports that this missense variant does not alter protein structure/function; Has not been previously published as pathogenic or benign to our knowledge

NM_152641.4(ARID2):c.110T>G (p.Ile37Ser)

Genes: ARID2 (AT-rich interaction domain 2; plus strand), LOC130007728 (ATAC-STARR-seq lymphoblastoid silent region 4376; plus strand). Cytogenetic location: 12q12.
Variant type: single nucleotide variant.
Coding change: c.110T>G on transcript NM_152641.4 (MANE Select); coding-DNA position 110, T replaced by G.
Protein change: p.Ile37Ser; replaces isoleucine 37 with serine.
Molecular consequence: missense variant.
Genome position (GRCh38, 1-based): chr12:45,730,061, T>G. VCF-style: chr12-45730061-T-G. GRCh37 (hg19) VCF-style: chr12-46123844-T-G.
Other names: c.110T>G, p.Ile37Ser (NM_001347839.2); short protein forms I37S.
Identifiers: ClinVar variation 2443532 (VCV002443532.1), dbSNP rs2137959629, ClinGen allele CA384609138.